The following is an entry in ClinVar:

NM_178821.3(DAW1):c.114-1G>A

Gene: DAW1 (dynein assembly factor with WD repeats 1; plus strand). Cytogenetic location: 2q36.3.
Variant type: single nucleotide variant.
Coding change: c.114-1G>A on transcript NM_178821.3 (MANE Select); the canonical splice acceptor site of the intron before coding-DNA position 114, G replaced by A.
Molecular consequence: splice acceptor variant.
Genome position (GRCh38, 1-based): chr2:227,889,855, G>A. VCF-style: chr2-227889855-G-A. GRCh37 (hg19) VCF-style: chr2-228754571-G-A.
Other names: c.69-1G>A (NM_001330004.2).
Identifiers: ClinVar variation 4992133 (VCV004992133.1).

ClinVar aggregate classification (germline): Uncertain significance (1 of 4 stars; one submission).

Conditions:
DAW1-related disorder. Also called: DAW1-related condition.

gnomAD v4.1: 1 of 1,583,136 alleles (0.000063%); highest among the groups gnomAD compares: Non-Finnish European, 0.000085%; no homozygotes.

Submission:

PreventionGenetics, part of Exact Sciences
Classification: Uncertain significance for DAW1-related condition. Last evaluated: 2025-12-15. Review status: criteria provided, single submitter. Criteria: ACMG Guidelines, 2015. Collection method: clinical testing. Allele origin: germline.
Comment: The DAW1 c.114-1G>A variant is predicted to disrupt the AG splice acceptor site and interfere with normal splicing. To our knowledge, this variant has not been reported in the literature or in a large population database (gnomAD), indicating this variant is rare. Loss of function is not a well established mechanism of DAW1-related disease. Although we suspect that this variant may be pathogenic, at this time, the clinical significance of this variant is uncertain due to the absence of conclusive functional and genetic evidence.